The following is an entry in ClinVar:

NM_004380.3(CREBBP):c.3836+1G>C

Gene: CREBBP (CREB binding lysine acetyltransferase; minus strand). Cytogenetic location: 16p13.3.
Variant type: single nucleotide variant.
Coding change: c.3836+1G>C on transcript NM_004380.3 (MANE Select); the canonical splice donor site of the intron after coding-DNA position 3836, G replaced by C.
Molecular consequence: splice donor variant.
Genome position (GRCh38, 1-based): chr16:3,749,626, C>G on the plus strand (G>C on the coding strand, the complement: CREBBP is on the minus strand). VCF-style: chr16-3749626-C-G. GRCh37 (hg19) VCF-style: chr16-3799627-C-G.
Other names: c.3722+1G>C (NM_001079846.1).
Identifiers: ClinVar variation 568079 (VCV000568079.10), dbSNP rs200782888, ClinGen allele CA394567289.

ClinVar aggregate classification (germline): Pathogenic (1 of 4 stars; one submission).

Conditions:
Rubinstein-Taybi syndrome (RSTS). Identifiers: Orphanet 783, MedGen C0035934, MONDO:0019188.

Submission:

Labcorp Genetics (formerly Invitae), Labcorp
Classification: Pathogenic for Rubinstein-Taybi syndrome. Last evaluated: 2018-02-26. Review status: criteria provided, single submitter. Criteria: Invitae Variant Classification Sherloc (09022015). Collection method: clinical testing. Allele origin: germline.
Comment: For these reasons, this variant has been classified as Pathogenic. Donor and acceptor splice site variants typically lead to a loss of protein function (PMID: 16199547), and loss-of-function variants in CREBBP are known to be pathogenic (PMID: 17052327, 18792986). A different nucleotide change at the same consensus splice site (c.3836+1G>A, reported as IVS22+1G>A) has been reported in an individual affected with Rubinstein-Taybi syndrome (PMID: 16359492). This variant is not present in population databases (ExAC no frequency). This sequence change affects a donor splice site in intron 21 of the CREBBP gene. It is expected to disrupt RNA splicing and likely results in an absent or disrupted protein product.

Literature cited by the submitters: PubMed 16199547; PubMed 17052327; PubMed 18792986; PubMed 16359492.